The following is an entry in ClinVar:

NM_001278116.2(L1CAM):c.572G>T (p.Gly191Val)

Gene: L1CAM (L1 cell adhesion molecule; minus strand). Cytogenetic location: Xq28.
Variant type: single nucleotide variant.
Coding change: c.572G>T on transcript NM_001278116.2 (MANE Select); coding-DNA position 572, G replaced by T.
Protein change: p.Gly191Val; replaces glycine 191 with valine.
Molecular consequence: missense variant.
Genome position (GRCh38, 1-based): chrX:153,870,912, C>A on the plus strand (G>T on the coding strand, the complement: L1CAM is on the minus strand). VCF-style: chrX-153870912-C-A. GRCh37 (hg19) VCF-style: chrX-153136367-C-A.
Other names: c.572G>T, p.Gly191Val (NM_000425.5, NM_024003.3); c.557G>T, p.Gly186Val (NM_001143963.2); short protein forms G186V, G191V.
Identifiers: ClinVar variation 5043397 (VCV005043397.1).

ClinVar aggregate classification (germline): Likely pathogenic (1 of 4 stars; one submission).

Submission:

GeneDx
Classification: Likely pathogenic. Last evaluated: 2026-10-26. Review status: criteria provided, single submitter. Criteria: GeneDx Variant Classification Process June 2021. Collection method: clinical testing. Allele origin: germline.
Comment: Not observed at significant frequency in large population cohorts (gnomAD); In silico analysis supports that this missense variant has a deleterious effect on protein structure/function; Has not been previously published as pathogenic or benign to our knowledge; This variant is associated with the following publications: (PMID: 25641508)